The following is an entry in ClinVar:

ClinVar aggregate classification (germline): Uncertain significance (1 of 4 stars; one submission).

Submission:

GeneDx
Classification: Uncertain significance. Last evaluated: 2024-12-01. Review status: criteria provided, single submitter. Criteria: GeneDx Variant Classification Process June 2021. Collection method: clinical testing. Allele origin: germline. Affected: yes.
Comment: Not observed at significant frequency in large population cohorts (gnomAD); In silico analysis supports that this missense variant has a deleterious effect on protein structure/function; Has not been previously published as pathogenic or benign to our knowledge; This variant is associated with the following publications: (PMID: 22696272)

NM_000393.5(COL5A2):c.1087G>A (p.Gly363Arg)

Gene: COL5A2 (collagen type V alpha 2 chain; minus strand). Cytogenetic location: 2q32.2.
Variant type: single nucleotide variant.
Coding change: c.1087G>A on transcript NM_000393.5 (MANE Select); coding-DNA position 1087, G replaced by A.
Protein change: p.Gly363Arg; replaces glycine 363 with arginine.
Molecular consequence: missense variant.
Genome position (GRCh38, 1-based): chr2:189,075,410, C>T on the plus strand (G>A on the coding strand, the complement: COL5A2 is on the minus strand). VCF-style: chr2-189075410-C-T. GRCh37 (hg19) VCF-style: chr2-189940136-C-T.
Other names: short protein forms G363R.
Identifiers: ClinVar variation 3900942 (VCV003900942.1).